The following is an entry in ClinVar:

ClinVar aggregate classification (germline): Uncertain significance (1 of 4 stars; one submission).

Conditions:
Cutis laxa, autosomal recessive, type 1B (ARCL1B). Also called: EFEMP2-Related Cutis Laxa; CUTIS LAXA, AUTOSOMAL RECESSIVE, TYPE IB. Identifiers: Orphanet 90349, MedGen C3280798, MONDO:0013754, OMIM 614437. Disease mechanism: loss of function.

Allele frequency attached by ClinVar (database versions not stated): ExAC 0.00001; gnomAD 0.00001; gnomAD exomes 0.00001.

Submission:

Labcorp Genetics (formerly Invitae), Labcorp
Classification: Uncertain significance for Cutis laxa, autosomal recessive, type 1B. Last evaluated: 2025-12-15. Review status: criteria provided, single submitter. Criteria: Invitae Variant Classification Sherloc (09022015). Collection method: clinical testing. Allele origin: germline.
Comment: This sequence change replaces arginine, which is basic and polar, with tryptophan, which is neutral and slightly polar, at codon 354 of the EFEMP2 protein (p.Arg354Trp). This variant is present in population databases (rs748931945, gnomAD 0.01%). This variant has not been reported in the literature in individuals affected with EFEMP2-related conditions. ClinVar contains an entry for this variant (Variation ID: 1910120). Invitae Evidence Modeling of protein sequence and biophysical properties (such as structural, functional, and spatial information, amino acid conservation, physicochemical variation, residue mobility, and thermodynamic stability) indicates that this missense variant is expected to disrupt EFEMP2 protein function with a positive predictive value of 95%. In summary, the available evidence is currently insufficient to determine the role of this variant in disease. Therefore, it has been classified as a Variant of Uncertain Significance.

NM_016938.5(EFEMP2):c.1060C>T (p.Arg354Trp)

Gene: EFEMP2 (EGF-like fibulin extracellular matrix protein 2; minus strand). Cytogenetic location: 11q13.1.
Variant type: single nucleotide variant.
Coding change: c.1060C>T on transcript NM_016938.5 (MANE Select); coding-DNA position 1060, C replaced by T.
Protein change: p.Arg354Trp; replaces arginine 354 with tryptophan.
Molecular consequence: missense variant. On other transcripts: non-coding transcript variant (1).
Genome position (GRCh38, 1-based): chr11:65,867,971, G>A on the plus strand (C>T on the coding strand, the complement: EFEMP2 is on the minus strand). VCF-style: chr11-65867971-G-A. GRCh37 (hg19) VCF-style: chr11-65635442-G-A.
Other names: short protein forms R354W.
Identifiers: ClinVar variation 1910120 (VCV001910120.3), dbSNP rs748931945, ClinGen allele CA6110427.